The following is an entry in ClinVar:

NM_001256864.2(DNAJC6):c.2038+3A>G

Gene: DNAJC6 (DnaJ heat shock protein family (Hsp40) member C6; plus strand). Cytogenetic location: 1p31.3.
Variant type: single nucleotide variant.
Coding change: c.2038+3A>G on transcript NM_001256864.2 (MANE Select); 3 bases into the intron after coding-DNA position 2038, A replaced by G.
Molecular consequence: intron variant.
Genome position (GRCh38, 1-based): chr1:65,395,035, A>G. VCF-style: chr1-65395035-A-G. GRCh37 (hg19) VCF-style: chr1-65860718-A-G.
Other names: c.1828+3A>G (NM_001256865.2); c.1867+3A>G (NM_014787.4).
Identifiers: ClinVar variation 1098746 (VCV001098746.4), dbSNP rs961974767, ClinGen allele CA23921181.
Genomic context (GRCh38, chr1:65,395,035, plus strand): 5'-AGTGCTTCCAGTGACCCCTTTCTCCAGCCAACAAGAAGTCCTTCGCCCACAGTACATGGT[A>G]AGGAAATATTTTATATTGTGTTCAGTGGAACATAGTTTTCTGCAAGATATCAGTAAGTGC-3'

ClinVar aggregate classification (germline): Uncertain significance. Review status: criteria provided, single submitter (1 of 4 stars). 2 submissions from 2 submitters: Uncertain significance (1). 1 of the submissions does not count toward it. Last evaluated 2022-06-13.

Conditions:
Juvenile onset Parkinson disease 19A. Also called: DNAJC6 Parkinson Disease; PARK19. Identifiers: Orphanet 391411, MedGen C3809811, MONDO:0014231, OMIM 615528.

gnomAD v4.1: 1 of 1,602,646 alleles (0.000062%); no homozygotes.

Submissions (2):

Labcorp Genetics (formerly Invitae), Labcorp
Classification: Uncertain significance for Juvenile onset Parkinson disease 19A. Last evaluated: 2022-06-13. Review status: criteria provided, single submitter. Criteria: Invitae Variant Classification Sherloc (09022015). Collection method: clinical testing. Allele origin: germline.
Comment: This sequence change falls in intron 13 of the DNAJC6 gene. It does not directly change the encoded amino acid sequence of the DNAJC6 protein. It affects a nucleotide within the consensus splice site. This variant is not present in population databases (gnomAD no frequency). This variant has been observed in individual(s) with Parkinson disease (PMID: 26528954). ClinVar contains an entry for this variant (Variation ID: 1098746). Variants that disrupt the consensus splice site are a relatively common cause of aberrant splicing (PMID: 17576681, 9536098). Algorithms developed to predict the effect of sequence changes on RNA splicing suggest that this variant is not likely to affect RNA splicing. In summary, the available evidence is currently insufficient to determine the role of this variant in disease. Therefore, it has been classified as a Variant of Uncertain Significance.

GeneReviews
No classification provided. Condition: Juvenile onset Parkinson disease 19A. Review status: no classification provided. Collection method: literature only. Allele origin: germline. Not counted in ClinVar's aggregate classification.
Comment: Early-onset parkinsonism

Literature cited by the submitters: PubMed 26528954 (cited by Labcorp Genetics (formerly Invitae), Labcorp and GeneReviews); PubMed 17576681 (cited by Labcorp Genetics (formerly Invitae), Labcorp); PubMed 9536098 (cited by Labcorp Genetics (formerly Invitae), Labcorp); PubMed 33983693 (cited by GeneReviews).